The following is an entry in ClinVar:

NM_001378778.1(MPDZ):c.1087G>A (p.Val363Ile)

Gene: MPDZ (multiple PDZ domain crumbs cell polarity complex component; minus strand). Cytogenetic location: 9p23.
Variant type: single nucleotide variant.
Coding change: c.1087G>A on transcript NM_001378778.1 (MANE Select); coding-DNA position 1087, G replaced by A.
Protein change: p.Val363Ile; replaces valine 363 with isoleucine.
Molecular consequence: missense variant.
Genome position (GRCh38, 1-based): chr9:13,217,294, C>T on the plus strand (G>A on the coding strand, the complement: MPDZ is on the minus strand). VCF-style: chr9-13217294-C-T. GRCh37 (hg19) VCF-style: chr9-13217293-C-T.
Other names: c.1087G>A, p.Val363Ile (NM_001261406.2, NM_001261407.2, NM_001330637.2 and 14 more transcripts); c.1087G>A (NM_003829.3); short protein forms V363I.
Identifiers: ClinVar variation 1704726 (VCV001704726.7), dbSNP rs1267446687, ClinGen allele CA372945043.

ClinVar aggregate classification (germline): Uncertain significance. Review status: criteria provided, multiple submitters, no conflicts (2 of 4 stars). 3 submissions from 3 submitters: Uncertain significance (3). Last evaluated 2024-02-12.

Conditions:
Inborn genetic diseases. Identifiers: MedGen C0950123, MeSH D030342.

Allele frequency attached by ClinVar (database versions not stated): gnomAD exomes below 0.00001; gnomAD 0.00001; TOPMed 0.00001.
gnomAD v4.1: 5 of 1,564,570 alleles (0.00032%); highest among the groups gnomAD compares: Admixed American, 0.0073%; no homozygotes.

Submissions (3):

Ambry Genetics
Classification: Uncertain significance for Inborn genetic diseases. Last evaluated: 2024-02-12. Review status: criteria provided, single submitter. Criteria: Ambry Variant Classification Scheme 2023. Collection method: clinical testing. Allele origin: germline.

GeneDx
Classification: Uncertain significance. Last evaluated: 2023-01-06. Review status: criteria provided, single submitter. Criteria: GeneDx Variant Classification Process June 2021. Collection method: clinical testing. Allele origin: germline. Affected: yes.
Comment: Not observed at significant frequency in large population cohorts (gnomAD); In silico analysis supports that this missense variant does not alter protein structure/function; Has not been previously published as pathogenic or benign to our knowledge

Labcorp Genetics (formerly Invitae), Labcorp
Classification: Uncertain significance. Last evaluated: 2021-12-13. Review status: criteria provided, single submitter. Criteria: Invitae Variant Classification Sherloc (09022015). Collection method: clinical testing. Allele origin: germline.
Comment: The frequency data for this variant in the population databases is considered unreliable, as metrics indicate poor data quality at this position in the gnomAD database. This sequence change replaces valine, which is neutral and non-polar, with isoleucine, which is neutral and non-polar, at codon 363 of the MPDZ protein (p.Val363Ile). This variant has not been reported in the literature in individuals affected with MPDZ-related conditions. Algorithms developed to predict the effect of missense changes on protein structure and function (SIFT, PolyPhen-2, Align-GVGD) all suggest that this variant is likely to be tolerated. In summary, the available evidence is currently insufficient to determine the role of this variant in disease. Therefore, it has been classified as a Variant of Uncertain Significance.